The following is an entry in ClinVar:

ClinVar aggregate classification (germline): Uncertain significance (1 of 4 stars; one submission).

Conditions:
Glycogen storage disease type III (GSD3). Also called: Cori disease; FORBES DISEASE. Identifiers: Orphanet 366, MedGen C0017922, MONDO:0009291, OMIM 232400.

Allele frequency attached by ClinVar (database versions not stated): TOPMed below 0.00001.

Submission:

Labcorp Genetics (formerly Invitae), Labcorp
Classification: Uncertain significance for Glycogen storage disease type III. Last evaluated: 2023-08-17. Review status: criteria provided, single submitter. Criteria: Invitae Variant Classification Sherloc (09022015). Collection method: clinical testing. Allele origin: germline.
Comment: This sequence change affects codon 395 of the AGL mRNA. It is a 'silent' change, meaning that it does not change the encoded amino acid sequence of the AGL protein. This variant also falls at the last nucleotide of exon 9, which is part of the consensus splice site for this exon. This variant is not present in population databases (gnomAD no frequency). In summary, the available evidence is currently insufficient to determine the role of this variant in disease. Therefore, it has been classified as a Variant of Uncertain Significance. Variants that disrupt the consensus splice site are a relatively common cause of aberrant splicing (PMID: 17576681, 9536098). Algorithms developed to predict the effect of sequence changes on RNA splicing suggest that this variant may disrupt the consensus splice site. ClinVar contains an entry for this variant (Variation ID: 1934092). This variant has not been reported in the literature in individuals affected with AGL-related conditions.

Literature cited by the submitters: PubMed 17576681; PubMed 9536098.

NM_000642.3(AGL):c.1185G>A (p.Gln395=)

Gene: AGL (amylo-alpha-1,6-glucosidase and 4-alpha-glucanotransferase; plus strand). Cytogenetic location: 1p21.2.
Variant type: single nucleotide variant.
Coding change: c.1185G>A on transcript NM_000642.3 (MANE Select); coding-DNA position 1185, G replaced by A.
Protein change: p.Gln395=; no amino-acid change (glutamine 395 retained).
Molecular consequence: synonymous variant.
Genome position (GRCh38, 1-based): chr1:99,875,256, G>A. VCF-style: chr1-99875256-G-A. GRCh37 (hg19) VCF-style: chr1-100340812-G-A.
Other names: c.1185G>A, p.Gln395= (NM_000028.3, NM_000643.3, NM_000644.3 and 2 more transcripts); c.1137G>A, p.Gln379= (NM_000646.3); c.981G>A, p.Gln327= (NM_001425328.1, NM_001425329.1); c.807G>A, p.Gln269= (NM_001425332.1).
Identifiers: ClinVar variation 1934092 (VCV001934092.5), dbSNP rs1651419660, ClinGen allele CA419096750.